The following is an entry in ClinVar:

NM_000489.6(ATRX):c.6523A>C (p.Ile2175Leu)

Gene: ATRX (ATRX chromatin remodeler; minus strand). Cytogenetic location: Xq21.1.
Variant type: single nucleotide variant.
Coding change: c.6523A>C on transcript NM_000489.6 (MANE Select); coding-DNA position 6523, A replaced by C.
Protein change: p.Ile2175Leu; replaces isoleucine 2175 with leucine.
Molecular consequence: missense variant.
Genome position (GRCh38, 1-based): chrX:77,557,627, T>G on the plus strand (A>C on the coding strand, the complement: ATRX is on the minus strand). VCF-style: chrX-77557627-T-G. GRCh37 (hg19) VCF-style: chrX-76813098-T-G.
Other names: c.6409A>C, p.Ile2137Leu (NM_138270.5); short protein forms I2137L, I2175L.
Identifiers: ClinVar variation 4686960 (VCV004686960.1).

ClinVar aggregate classification (germline): Uncertain significance (1 of 4 stars; one submission).

Submission:

GeneDx
Classification: Uncertain significance. Last evaluated: 2025-07-22. Review status: criteria provided, single submitter. Criteria: GeneDx Variant Classification Process June 2021. Collection method: clinical testing. Allele origin: germline. Affected: yes.
Comment: Not observed at significant frequency in large population cohorts (gnomAD); In silico analysis suggests that this missense variant does not alter protein structure/function; Has not been previously published as pathogenic or benign to our knowledge